The following is an entry in ClinVar:

NM_015021.3(ZNF292):c.7659A>T (p.Ala2553=)

Gene: ZNF292 (zinc finger protein 292; plus strand). Cytogenetic location: 6q14.3.
Variant type: single nucleotide variant.
Coding change: c.7659A>T on transcript NM_015021.3 (MANE Select); coding-DNA position 7659, A replaced by T.
Protein change: p.Ala2553=; no amino-acid change (alanine 2553 retained).
Molecular consequence: synonymous variant.
Genome position (GRCh38, 1-based): chr6:87,261,288, A>T. VCF-style: chr6-87261288-A-T. GRCh37 (hg19) VCF-style: chr6-87971006-A-T.
Other names: c.7239A>T, p.Ala2413= (NM_001351444.2).
Identifiers: ClinVar variation 3341731 (VCV003341731.16).

ClinVar aggregate classification (germline): Likely benign (1 of 4 stars; one submission).

gnomAD v4.1: 298 of 1,613,142 alleles (0.018%); highest among the groups gnomAD compares: Non-Finnish European, 0.024%; no homozygotes.

Submission:

CeGaT Center for Human Genetics Tuebingen
Classification: Likely benign. Last evaluated: 2024-08-01. Review status: criteria provided, single submitter. Criteria: CeGaT Center For Human Genetics Tuebingen Variant Classification Criteria Version 2. Collection method: clinical testing. Allele origin: germline. Affected: yes. Observed: 1 variant allele.
Comment: ZNF292: BP4, BP7